The following is an entry in ClinVar:

NM_005902.4(SMAD3):c.732C>T (p.Val244=)

Gene: SMAD3 (SMAD family member 3; plus strand). Cytogenetic location: 15q22.33.
Variant type: single nucleotide variant.
Coding change: c.732C>T on transcript NM_005902.4 (MANE Select); coding-DNA position 732, C replaced by T.
Protein change: p.Val244=; no amino-acid change (valine 244 retained).
Molecular consequence: synonymous variant.
Genome position (GRCh38, 1-based): chr15:67,181,314, C>T. VCF-style: chr15-67181314-C-T. GRCh37 (hg19) VCF-style: chr15-67473652-C-T.
Other names: c.417C>T, p.Val139= (NM_001145102.2); c.600C>T, p.Val200= (NM_001145103.2); c.147C>T, p.Val49= (NM_001145104.2).
Identifiers: ClinVar variation 700902 (VCV000700902.17), dbSNP rs749576770, ClinGen allele CA062628.

ClinVar aggregate classification (germline): Likely benign. Review status: criteria provided, multiple submitters, no conflicts (2 of 4 stars). 6 submissions from 6 submitters: Likely benign (6). Last evaluated 2025-07-24.

Conditions:
Familial thoracic aortic aneurysm and aortic dissection (TAAD). Also called: Thoracic aortic aneurysms and dissections. Identifiers: Orphanet 91387, MedGen C4707243, MONDO:0019625.
Aneurysm-osteoarthritis syndrome. Also called: SMAD3-Related Loeys-Dietz Syndrome; LOEYS-DIETZ SYNDROME WITH OSTEOARTHRITIS; Loeys-Dietz syndrome, type 1C; ANEURYSMS-OSTEOARTHRITIS SYNDROME. Identifiers: Orphanet 284984, MedGen C3151087, MONDO:0013426, OMIM 613795.

Allele frequency attached by ClinVar (database versions not stated): ExAC 0.00001; gnomAD 0.00001; gnomAD exomes 0.00001 and 0.00002; TOPMed 0.00002.
gnomAD v4.1: 11 of 1,613,974 alleles (0.00068%); highest among the groups gnomAD compares: East Asian, 0.0022%; no homozygotes.

Submissions (6):

Molecular Diagnostic Laboratory for Inherited Cardiovascular Disease, Montreal Heart Institute
Classification: Likely benign. Last evaluated: 2025-07-24. Review status: criteria provided, single submitter. Criteria: ACMG Guidelines, 2015. Collection method: clinical testing. Allele origin: germline. Affected: no.
Comment: BP7

Labcorp Genetics (formerly Invitae), Labcorp
Classification: Likely benign for Familial thoracic aortic aneurysm and aortic dissection. Last evaluated: 2025-03-18. Review status: criteria provided, single submitter. Criteria: Invitae Variant Classification Sherloc (09022015). Collection method: clinical testing. Allele origin: germline.

Blueprint Genetics
Classification: Likely benign. Last evaluated: 2024-02-15. Review status: criteria provided, single submitter. Criteria: ACMG Guidelines, 2015. Collection method: clinical testing. Allele origin: germline.

All of Us Research Program, National Institutes of Health
Classification: Likely benign for Aneurysm-osteoarthritis syndrome. Last evaluated: 2024-01-11. Review status: criteria provided, single submitter. Criteria: ACMG Guidelines, 2015. Collection method: clinical testing. Allele origin: germline. Inheritance: Autosomal dominant inheritance. Observed: 6 variant alleles, 6 heterozygotes.
Comment: This study involves interpretation of variants in research participants for the purpose of population health screening. Participant phenotype was not available at the time of variant classification. Additional details can be found in publication PMID: 35346344, PMCID: PMC8962531

Ambry Genetics
Classification: Likely benign for Familial thoracic aortic aneurysm and aortic dissection. Last evaluated: 2021-03-08. Review status: criteria provided, single submitter. Criteria: Ambry Variant Classification Scheme 2023. Collection method: clinical testing. Allele origin: germline.

Color Diagnostics, LLC DBA Color Health
Classification: Likely benign for Familial thoracic aortic aneurysm and aortic dissection. Last evaluated: 2018-10-22. Review status: criteria provided, single submitter. Criteria: ACMG Guidelines, 2015. Collection method: clinical testing. Allele origin: germline.